The following is an entry in ClinVar:

ClinVar aggregate classification (germline): Benign. Review status: criteria provided, single submitter (1 of 4 stars). 2 submissions from 2 submitters: Benign (1). 1 of the submissions does not count toward it. Last evaluated 2025-11-17.

Conditions:
ERBB4-related disorder. Also called: ERBB4-related condition.

Allele frequency attached by ClinVar (database versions not stated): TOPMed 0.00009; gnomAD 0.00011 and 0.00012; ESP Exome Variant Server 0.00023; gnomAD exomes 0.00037; ExAC 0.00060.
gnomAD v4.1: 323 of 1,613,648 alleles (0.02%); highest among the groups gnomAD compares: Non-Finnish European, 0.022%; 1 homozygote.

Submissions (2):

Labcorp Genetics (formerly Invitae), Labcorp
Classification: Benign. Last evaluated: 2025-11-17. Review status: criteria provided, single submitter. Criteria: Invitae Variant Classification Sherloc (09022015). Collection method: clinical testing. Allele origin: germline.

PreventionGenetics, part of Exact Sciences
Classification: Likely benign for ERBB4-related condition. Last evaluated: 2023-12-31. Review status: no assertion criteria provided. Collection method: clinical testing. Allele origin: germline. Not counted in ClinVar's aggregate classification.
Comment: This variant is classified as likely benign based on ACMG/AMP sequence variant interpretation guidelines (Richards et al. 2015 PMID: 25741868, with internal and published modifications).

NM_005235.3(ERBB4):c.837C>T (p.Phe279=)

Gene: ERBB4 (erb-b2 receptor tyrosine kinase 4; minus strand). Cytogenetic location: 2q34.
Variant type: single nucleotide variant.
Coding change: c.837C>T on transcript NM_005235.3 (MANE Select); coding-DNA position 837, C replaced by T.
Protein change: p.Phe279=; no amino-acid change (phenylalanine 279 retained).
Molecular consequence: synonymous variant.
Genome position (GRCh38, 1-based): chr2:211,722,439, G>A on the plus strand (C>T on the coding strand, the complement: ERBB4 is on the minus strand). VCF-style: chr2-211722439-G-A. GRCh37 (hg19) VCF-style: chr2-212587164-G-A.
Other names: c.837C>T, p.Phe279= (NM_001042599.2).
Identifiers: ClinVar variation 1550869 (VCV001550869.10), dbSNP rs151042332, ClinGen allele CA2088322.